The following is an entry in ClinVar:

NM_002691.4(POLD1):c.2689_2696dup (p.His900fs)

Gene: POLD1 (DNA polymerase delta 1, catalytic subunit; plus strand). Cytogenetic location: 19q13.33.
Variant type: Duplication.
Coding change: c.2689_2696dup on transcript NM_002691.4 (MANE Select); coding-DNA positions 2689 to 2696, 8 bases duplicated (AAGCAGGC; older notation c.2689_2696dupAAGCAGGC).
Protein change: p.His900fs; shifts the reading frame from histidine 900.
Molecular consequence: frameshift variant. On other transcripts: non-coding transcript variant (1).
Genome position (GRCh38, 1-based): chr19:50,415,562-50,415,569, AAGCAGGC duplicated; duplicating any 8 consecutive bases within chr19:50,415,559-50,415,569 gives the same sequence; the c. name uses the placement nearest the transcript's 3' end. VCF-style (leftmost placement, unchanged base first): chr19-50415558-C-CGGCAAGCA. GRCh37 (hg19) VCF-style: chr19-50918815-C-CGGCAAGCA.
Other names: c.2617_2624dup, p.His876fs (NM_001438211.1, NM_001438210.1); c.2689_2696dup, p.His900fs (NM_001438212.1, NM_001438213.1, NM_001256849.1); c.2767_2774dup, p.His926fs (NM_001308632.1); short protein forms H900fs, H926fs, H876fs.
Identifiers: ClinVar variation 4713564 (VCV004713564.1).

ClinVar aggregate classification (germline): Uncertain significance (1 of 4 stars; one submission).

Conditions:
POLD1-related polyposis and colorectal cancer syndrome (CRCS10). Also called: COLORECTAL CANCER, SUSCEPTIBILITY TO, ON CHROMOSOME 19q; Colorectal cancer 10; Colorectal cancer, susceptibility to, 10. Identifiers: Orphanet 220460, MedGen C2675481, MONDO:0012953, OMIM 612591.

Submission:

Labcorp Genetics (formerly Invitae), Labcorp
Classification: Uncertain significance for POLD1-related polyposis and colorectal cancer syndrome. Last evaluated: 2025-02-20. Review status: criteria provided, single submitter. Criteria: Invitae Variant Classification Sherloc (09022015). Collection method: clinical testing. Allele origin: germline.
Comment: This sequence change creates a premature translational stop signal (p.His900Serfs*11) in the POLD1 gene. It is expected to result in an absent or disrupted protein product. However, the current clinical and genetic evidence is not sufficient to establish whether loss-of-function variants in POLD1 cause disease. This variant is not present in population databases (gnomAD no frequency). This variant has not been reported in the literature in individuals affected with POLD1-related conditions. Algorithms developed to predict the effect of sequence changes on RNA splicing suggest that this variant may disrupt the consensus splice site. In summary, the available evidence is currently insufficient to determine the role of this variant in disease. Therefore, it has been classified as a Variant of Uncertain Significance.